The following is an entry in ClinVar:

NM_001042492.3(NF1):c.44G>T (p.Ser15Ile)

Genes: MIR4733HG (MIR4733 host gene; minus strand), NF1 (neurofibromin 1; plus strand), LOC111811965 (NF1 (neurofibromin 1) promoter region; plus strand). Cytogenetic location: 17q11.2.
Variant type: single nucleotide variant.
Coding change: c.44G>T on transcript NM_001042492.3 (MANE Select); coding-DNA position 44, G replaced by T.
Protein change: p.Ser15Ile; replaces serine 15 with isoleucine.
Molecular consequence: missense variant. On other transcripts: non-coding transcript variant (1).
Genome position (GRCh38, 1-based): chr17:31,095,353, G>T. VCF-style: chr17-31095353-G-T. GRCh37 (hg19) VCF-style: chr17-29422371-G-T.
Other names: c.44G>T, p.Ser15Ile (NM_000267.4, NM_001128147.3); short protein forms S15I.
Identifiers: ClinVar variation 5025625 (VCV005025625.1).

ClinVar aggregate classification (germline): Uncertain significance (1 of 4 stars; one submission).

Conditions:
Cardiovascular phenotype. Identifiers: MedGen CN230736.
Hereditary cancer-predisposing syndrome. Also called: Neoplastic Syndromes, Hereditary; Tumor predisposition; Hereditary neoplastic syndrome; Hereditary Cancer Syndrome. Identifiers: Orphanet 140162, MedGen C0027672, MeSH D009386, MONDO:0015356.

Submission:

Ambry Genetics
Classification: Uncertain significance for Cardiovascular phenotype; Hereditary cancer-predisposing syndrome. Last evaluated: 2026-08-17. Review status: criteria provided, single submitter. Criteria: Ambry Variant Classification Scheme 2023. Collection method: clinical testing. Allele origin: germline.
Comment: The p.S15I variant (also known as c.44G>T), located in coding exon 1 of the NF1 gene, results from a G to T substitution at nucleotide position 44. The serine at codon 15 is replaced by isoleucine, an amino acid with dissimilar properties. This amino acid position is conserved. In addition, this alteration is predicted to be tolerated by in silico analysis. Based on the available evidence, the clinical significance of this variant remains unclear.